The following is an entry in ClinVar:

ClinVar aggregate classification (germline): Benign/Likely benign. Review status: criteria provided, multiple submitters, no conflicts (2 of 4 stars). 5 submissions from 5 submitters: Benign (1); Likely benign (4). Last evaluated 2025-11-07.

Conditions:
Hereditary cancer-predisposing syndrome. Also called: Tumor predisposition; Hereditary Cancer Syndrome; Neoplastic Syndromes, Hereditary; Hereditary neoplastic syndrome. Identifiers: Orphanet 140162, MedGen C0027672, MeSH D009386, MONDO:0015356.
Colorectal cancer, susceptibility to, 12 (CRCS12). Also called: COLORECTAL CANCER, SUSCEPTIBILITY TO, ON CHROMOSOME 12q24. Identifiers: Orphanet 220460, MedGen C3554460, MONDO:0014038, OMIM 615083.

Allele frequency attached by ClinVar (database versions not stated): gnomAD exomes 0.00001 and 0.00002; ExAC 0.00002; TOPMed 0.00004.

Submissions (5):

Mayo Clinic Laboratories, Mayo Clinic
Classification: Likely benign. Last evaluated: 2025-11-07. Review status: criteria provided, single submitter. Criteria: ACMG Guidelines, 2015. Collection method: clinical testing. Allele origin: germline. Observed: 1 variant allele.
Comment: BP4, BP7

Labcorp Genetics (formerly Invitae), Labcorp
Classification: Likely benign. Last evaluated: 2025-07-30. Review status: criteria provided, single submitter. Criteria: Invitae Variant Classification Sherloc (09022015). Collection method: clinical testing. Allele origin: germline.

Myriad Genetics, Inc.
Classification: Benign for Colorectal cancer, susceptibility to, 12. Last evaluated: 2025-02-10. Review status: criteria provided, single submitter. Criteria: Myriad Autosomal Dominant, Autosomal Recessive and X-Linked Classification Criteria (2023). Collection method: clinical testing. Allele origin: unknown.
Comment: This variant is considered benign. This variant is a silent/synonymous amino acid change and it is not expected to impact splicing.

Blueprint Genetics
Classification: Likely benign. Last evaluated: 2024-05-09. Review status: criteria provided, single submitter. Criteria: ACMG Guidelines, 2015. Collection method: clinical testing. Allele origin: germline.

Ambry Genetics
Classification: Likely benign for Hereditary cancer-predisposing syndrome. Last evaluated: 2017-09-14. Review status: criteria provided, single submitter. Criteria: Ambry Variant Classification Scheme 2023. Collection method: clinical testing. Allele origin: germline.

NM_006231.4(POLE):c.1092G>A (p.Gly364=)

Gene: POLE (DNA polymerase epsilon, catalytic subunit; minus strand). Cytogenetic location: 12q24.33.
Variant type: single nucleotide variant.
Coding change: c.1092G>A on transcript NM_006231.4 (MANE Select); coding-DNA position 1092, G replaced by A.
Protein change: p.Gly364=; no amino-acid change (glycine 364 retained).
Molecular consequence: synonymous variant.
Genome position (GRCh38, 1-based): chr12:132,675,749, C>T on the plus strand (G>A on the coding strand, the complement: POLE is on the minus strand). VCF-style: chr12-132675749-C-T. GRCh37 (hg19) VCF-style: chr12-133252335-C-T.
Other names: p.Gly364=.
Identifiers: ClinVar variation 484483 (VCV000484483.24), dbSNP rs749415346, ClinGen allele CA6894091.